The following is an entry in ClinVar:

NM_198428.3(BBS9):c.1515T>C (p.Val505=)

Gene: BBS9 (Bardet-Biedl syndrome 9; plus strand). Cytogenetic location: 7p14.3.
Variant type: single nucleotide variant.
Coding change: c.1515T>C on transcript NM_198428.3 (MANE Select); coding-DNA position 1515, T replaced by C.
Protein change: p.Val505=; no amino-acid change (valine 505 retained).
Molecular consequence: synonymous variant. On other transcripts: non-coding transcript variant (3), intron variant (5).
Genome position (GRCh38, 1-based): chr7:33,351,301, T>C. VCF-style: chr7-33351301-T-C. GRCh37 (hg19) VCF-style: chr7-33390913-T-C.
Other names: c.1515T>C, p.Val505= (NM_001033605.2, NM_001348036.1, NM_001348041.4 and 4 more transcripts); c.1149T>C, p.Val383= (NM_001348037.3, NM_001348045.3, NM_001348046.3); c.1242T>C, p.Val414= (NM_001348038.3); c.1380T>C, p.Val460= (NM_001348042.3); c.1160-1558T>C (NM_001348039.3); c.1433-1558T>C (NM_001033604.2); c.1432+2131T>C (NM_014451.4, NM_001348040.3); c.1067-1558T>C (NM_001348044.3); and 1 more.
Identifiers: ClinVar variation 1982561 (VCV001982561.5), dbSNP rs2536016659, ClinGen allele CA454456159.
Genomic context (GRCh38, chr7:33,351,301, plus strand): 5'-AAGCTTTTCTGTTTATCTGAAAAGAAGTTATACACCATCAGAATTGGAAGGAAATGCTGT[T>C]GTTTCTTATTCCAGACCAACAGGTAAACATACAGGCTTAATCATTACTTTAAGTTGTTGG-3'
Protein context (NP_940820.1, residues 495-515): YTPSELEGNA[Val505=]VSYSRPTDRN

ClinVar aggregate classification (germline): Likely benign. Review status: criteria provided, multiple submitters, no conflicts (2 of 4 stars). 2 submissions from 2 submitters: Likely benign (2). Last evaluated 2026-05-11.

Conditions:
BBS9-related disorder. Also called: BBS9-related condition.
Bardet-Biedl syndrome (BBS). Identifiers: Orphanet 110, MedGen C0752166, MONDO:0015229.

Allele frequency attached by ClinVar (database versions not stated): gnomAD exomes 0.00001.
gnomAD v4.1: 10 of 1,611,490 alleles (0.00062%); highest among the groups gnomAD compares: Non-Finnish European, 0.00085%; no homozygotes.

Submissions (2):

PreventionGenetics, part of Exact Sciences
Classification: Likely benign for BBS9-related condition. Last evaluated: 2026-05-11. Review status: criteria provided, single submitter. Criteria: ACMG Guidelines, 2015. Collection method: clinical testing. Allele origin: germline.
Comment: This variant is classified as likely benign based on ACMG/AMP sequence variant interpretation guidelines (Richards et al. 2015 PMID: 25741868, with internal and published modifications).

Labcorp Genetics (formerly Invitae), Labcorp
Classification: Likely benign for Bardet-Biedl syndrome. Last evaluated: 2023-07-12. Review status: criteria provided, single submitter. Criteria: Invitae Variant Classification Sherloc (09022015). Collection method: clinical testing. Allele origin: germline.